The following is an entry in ClinVar:

NM_001100913.3(PACS2):c.424G>T (p.Val142Leu)

Gene: PACS2 (phosphofurin acidic cluster sorting protein 2; plus strand). Cytogenetic location: 14q32.33.
Variant type: single nucleotide variant.
Coding change: c.424G>T on transcript NM_001100913.3 (MANE Select); coding-DNA position 424, G replaced by T.
Protein change: p.Val142Leu; replaces valine 142 with leucine.
Molecular consequence: missense variant.
Genome position (GRCh38, 1-based): chr14:105,367,213, G>T. VCF-style: chr14-105367213-G-T. GRCh37 (hg19) VCF-style: chr14-105833550-G-T.
Other names: c.223G>T, p.Val75Leu (NM_001243127.3); c.424G>T, p.Val142Leu (NM_015197.4); short protein forms V75L, V142L.
Identifiers: ClinVar variation 2070771 (VCV002070771.4), dbSNP rs2544690336, ClinGen allele CA391172567.

ClinVar aggregate classification (germline): Uncertain significance (1 of 4 stars; one submission).

Submission:

Labcorp Genetics (formerly Invitae), Labcorp
Classification: Uncertain significance. Last evaluated: 2022-01-02. Review status: criteria provided, single submitter. Criteria: Invitae Variant Classification Sherloc (09022015). Collection method: clinical testing. Allele origin: germline.
Comment: This sequence change replaces valine, which is neutral and non-polar, with leucine, which is neutral and non-polar, at codon 142 of the PACS2 protein (p.Val142Leu). In summary, the available evidence is currently insufficient to determine the role of this variant in disease. Therefore, it has been classified as a Variant of Uncertain Significance. Algorithms developed to predict the effect of sequence changes on RNA splicing suggest that this variant may disrupt the consensus splice site. Algorithms developed to predict the effect of missense changes on protein structure and function are either unavailable or do not agree on the potential impact of this missense change (SIFT: "Deleterious"; PolyPhen-2: "Probably Damaging"; Align-GVGD: "Class C0"). This variant has not been reported in the literature in individuals affected with PACS2-related conditions. This variant is not present in population databases (gnomAD no frequency).